The following is an entry in ClinVar:

NM_001283009.2(RTEL1):c.455A>T (p.Lys152Ile)

Genes: RTEL1 (regulator of telomere elongation helicase 1; plus strand), RTEL1-TNFRSF6B (RTEL1-TNFRSF6B readthrough (NMD candidate); plus strand). Cytogenetic location: 20q13.33.
Variant type: single nucleotide variant.
Coding change: c.455A>T on transcript NM_001283009.2 (MANE Select); coding-DNA position 455, A replaced by T.
Protein change: p.Lys152Ile; replaces lysine 152 with isoleucine.
Molecular consequence: missense variant. On other transcripts: non-coding transcript variant (1), 5 prime UTR variant (1).
Genome position (GRCh38, 1-based): chr20:63,662,605, A>T. VCF-style: chr20-63662605-A-T. GRCh37 (hg19) VCF-style: chr20-62293958-A-T.
Other names: c.-215A>T (NM_001283010.1); c.455A>T, p.Lys152Ile (NM_016434.4); c.527A>T, p.Lys176Ile (NM_032957.5); short protein forms K152I, K176I.
Identifiers: ClinVar variation 4157697 (VCV004157697.1).
Genomic context (GRCh38, chr20:63,662,605, plus strand): 5'-GGCCTAAGGTGTGTGTGCTGGGCTCCCGGGAGCAGCTGTGCATCCATCCTGAGGTGAAGA[A>T]ACAAGAGAGTAACCATCTACAGGTAGGCTCCTGGGCTCCCGCTCCGGCTCAGTGTCCGAC-3'
Protein context (NP_001269938.1, residues 142-162): EQLCIHPEVK[Lys152Ile]QESNHLQIHL

ClinVar aggregate classification (germline): Uncertain significance (1 of 4 stars; one submission).

Conditions:
Inborn genetic diseases. Identifiers: MedGen C0950123, MeSH D030342.

Submission:

Ambry Genetics
Classification: Uncertain significance for Inborn genetic diseases. Last evaluated: 2025-08-25. Review status: criteria provided, single submitter. Criteria: Ambry Variant Classification Scheme 2023. Collection method: clinical testing. Allele origin: germline.
Comment: The p.K152I variant (also known as c.455A>T), located in coding exon 4 of the RTEL1 gene, results from an A to T substitution at nucleotide position 455. The lysine at codon 152 is replaced by isoleucine, an amino acid with dissimilar properties. This amino acid position is conserved. In addition, the in silico prediction for this alteration is inconclusive. Based on the available evidence, the clinical significance of this variant remains unclear.